The following is an entry in ClinVar:

ClinVar aggregate classification (germline): Uncertain significance (0 of 4 stars; one submission).

Conditions:
TLE3-related condition.

Submission:

PreventionGenetics, part of Exact Sciences
Classification: Uncertain significance for TLE3-related condition. Last evaluated: 2024-07-16. Review status: no assertion criteria provided. Collection method: clinical testing. Allele origin: germline.
Comment: The TLE3 c.2105G>A variant is predicted to result in the amino acid substitution p.Cys702Tyr. To our knowledge, this variant has not been reported in the literature or in a large population database, indicating this variant is rare. At this time, the clinical significance of this variant is uncertain due to the absence of conclusive functional and genetic evidence.

NM_001105192.3(TLE3):c.2096G>A (p.Cys699Tyr)

Gene: TLE3 (TLE family member 3, transcriptional corepressor; minus strand). Cytogenetic location: 15q23.
Variant type: single nucleotide variant.
Coding change: c.2096G>A on transcript NM_001105192.3 (MANE Select); coding-DNA position 2096, G replaced by A.
Protein change: p.Cys699Tyr; replaces cysteine 699 with tyrosine.
Molecular consequence: missense variant.
Genome position (GRCh38, 1-based): chr15:70,052,403, C>T on the plus strand (G>A on the coding strand, the complement: TLE3 is on the minus strand). VCF-style: chr15-70052403-C-T. GRCh37 (hg19) VCF-style: chr15-70344742-C-T.
Other names: c.2081G>A, p.Cys694Tyr (NM_001282979.2); c.2090G>A, p.Cys697Tyr (NM_001282980.2); c.2075G>A, p.Cys692Tyr (NM_001282981.2); c.1886G>A, p.Cys629Tyr (NM_001282982.2); c.2105G>A, p.Cys702Tyr (NM_005078.4); c.2069G>A, p.Cys690Tyr (NM_020908.3); short protein forms C629Y, C690Y, C692Y, C694Y, C697Y, C699Y, C702Y.
Identifiers: ClinVar variation 3346974 (VCV003346974.1).